The following is an entry in ClinVar:

NM_002834.5(PTPN11):c.395A>G (p.His132Arg)

Gene: PTPN11 (protein tyrosine phosphatase non-receptor type 11; plus strand). Cytogenetic location: 12q24.13.
Variant type: single nucleotide variant.
Coding change: c.395A>G on transcript NM_002834.5 (MANE Select); coding-DNA position 395, A replaced by G.
Protein change: p.His132Arg; replaces histidine 132 with arginine.
Molecular consequence: missense variant.
Genome position (GRCh38, 1-based): chr12:112,453,257, A>G. VCF-style: chr12-112453257-A-G. GRCh37 (hg19) VCF-style: chr12-112891061-A-G.
Other names: c.395A>G, p.His132Arg (NM_001330437.2, NM_080601.3); c.392A>G, p.His131Arg (NM_001374625.1); short protein forms H132R, H131R.
Identifiers: ClinVar variation 3940427 (VCV003940427.1).

ClinVar aggregate classification (germline): Uncertain significance (1 of 4 stars; one submission).

Conditions:
Cardiovascular phenotype. Identifiers: MedGen CN230736.

Submission:

Ambry Genetics
Classification: Uncertain significance for Cardiovascular phenotype. Last evaluated: 2025-05-31. Review status: criteria provided, single submitter. Criteria: Ambry Variant Classification Scheme 2023. Collection method: clinical testing. Allele origin: germline.
Comment: The p.H132R variant (also known as c.395A>G), located in coding exon 4 of the PTPN11 gene, results from an A to G substitution at nucleotide position 395. The histidine at codon 132 is replaced by arginine, an amino acid with highly similar properties. This amino acid position is conserved. In addition, the in silico prediction for this alteration is inconclusive. Based on the available evidence, the clinical significance of this variant remains unclear.